The following is an entry in ClinVar:

ClinVar aggregate classification (germline): Uncertain significance (1 of 4 stars; one submission).

Submission:

GeneDx
Classification: Uncertain significance. Last evaluated: 2023-06-14. Review status: criteria provided, single submitter. Criteria: GeneDx Variant Classification Process June 2021. Collection method: clinical testing. Allele origin: germline. Affected: yes.
Comment: Not observed at significant frequency in large population cohorts (gnomAD); In silico analysis supports that this missense variant does not alter protein structure/function; Has not been previously published as pathogenic or benign to our knowledge

NM_001162501.2(TNRC6B):c.1514G>C (p.Gly505Ala)

Gene: TNRC6B (trinucleotide repeat containing adaptor 6B; plus strand). Cytogenetic location: 22q13.1.
Variant type: single nucleotide variant.
Coding change: c.1514G>C on transcript NM_001162501.2 (MANE Select); coding-DNA position 1514, G replaced by C.
Protein change: p.Gly505Ala; replaces glycine 505 with alanine.
Molecular consequence: missense variant. On other transcripts: intron variant (1).
Genome position (GRCh38, 1-based): chr22:40,265,744, G>C. VCF-style: chr22-40265744-G-C. GRCh37 (hg19) VCF-style: chr22-40661748-G-C.
Other names: c.1514G>C, p.Gly505Ala (NM_015088.3); c.565+3571G>C (NM_001024843.2); short protein forms G505A.
Identifiers: ClinVar variation 3359952 (VCV003359952.1).
Genomic context (GRCh38, chr22:40,265,744, plus strand): 5'-ACTTTGGCCCCCAGGACTCTAATGACAACAAATGGGGTGAAGGGAACAAAATGACATCTG[G>C]GGTCTCTCAGGGAGAATGGAAACAGCCGACTGGGTCTGATGAGTTGAAAATTGGAGAATG-3'
Protein context (NP_001155973.1, residues 495-515): KWGEGNKMTS[Gly505Ala]VSQGEWKQPT